The following is an entry in ClinVar:

ClinVar aggregate classification (germline): Uncertain significance (1 of 4 stars; one submission).

Conditions:
Autosomal recessive limb-girdle muscular dystrophy type 2C (LGMDR5). Also called: MUSCULAR DYSTROPHY, LIMB-GIRDLE, AUTOSOMAL RECESSIVE 5; MUSCULAR DYSTROPHY, DUCHENNE-LIKE. Identifiers: Orphanet 353, MedGen C0410173, MONDO:0009677, OMIM 253700. Disease mechanism: Affects gamma-sarcoglycan and also disrupts the integrity of the entire sarcoglycan complex..

gnomAD v4.1: 1 of 1,614,086 alleles (0.000062%); highest among the groups gnomAD compares: Non-Finnish European, 0.000085%; no homozygotes.

Submission:

Labcorp Genetics (formerly Invitae), Labcorp
Classification: Uncertain significance for Autosomal recessive limb-girdle muscular dystrophy type 2C. Last evaluated: 2025-07-06. Review status: criteria provided, single submitter. Criteria: Invitae Variant Classification Sherloc (09022015). Collection method: clinical testing. Allele origin: germline.
Comment: This sequence change replaces isoleucine, which is neutral and non-polar, with valine, which is neutral and non-polar, at codon 15 of the SGCG protein (p.Ile15Val). This variant is not present in population databases (gnomAD no frequency). This variant has not been reported in the literature in individuals affected with SGCG-related conditions. An algorithm developed to predict the effect of missense changes on protein structure and function outputs the following: PolyPhen-2: "Benign". The valine amino acid residue is found in multiple mammalian species, which suggests that this missense change does not adversely affect protein function. In summary, the available evidence is currently insufficient to determine the role of this variant in disease. Therefore, it has been classified as a Variant of Uncertain Significance.

NM_000231.3(SGCG):c.43A>G (p.Ile15Val)

Gene: SGCG (sarcoglycan gamma; plus strand). Cytogenetic location: 13q12.12.
Variant type: single nucleotide variant.
Coding change: c.43A>G on transcript NM_000231.3 (MANE Select); coding-DNA position 43, A replaced by G.
Protein change: p.Ile15Val; replaces isoleucine 15 with valine.
Molecular consequence: missense variant.
Genome position (GRCh38, 1-based): chr13:23,203,737, A>G. VCF-style: chr13-23203737-A-G. GRCh37 (hg19) VCF-style: chr13-23777876-A-G.
Other names: c.97A>G, p.Ile33Val (NM_001378244.1); c.43A>G, p.Ile15Val (NM_001378245.1, NM_001378246.1); short protein forms I33V, I15V.
Identifiers: ClinVar variation 4741225 (VCV004741225.1).
Genomic context (GRCh38, chr13:23,203,737, plus strand): 5'-GAACACACTCCGTGGCAGATGGTGCGTGAGCAGTACACTACAGCCACAGAAGGCATCTGC[A>G]TAGAGAGGCCAGAGAATCAGTATGTCTACAAAATTGGCATTTATGGCTGGAGAAAGCGCT-3'
Protein context (NP_000222.2, residues 5-25): QYTTATEGIC[Ile15Val]ERPENQYVYK